The following is an entry in ClinVar:

NM_000211.5(ITGB2):c.732C>T (p.Ala244=)

Gene: ITGB2 (integrin subunit beta 2; minus strand). Cytogenetic location: 21q22.3.
Variant type: single nucleotide variant.
Coding change: c.732C>T on transcript NM_000211.5 (MANE Select); coding-DNA position 732, C replaced by T.
Protein change: p.Ala244=; no amino-acid change (alanine 244 retained).
Molecular consequence: synonymous variant.
Genome position (GRCh38, 1-based): chr21:44,901,501, G>A on the plus strand (C>T on the coding strand, the complement: ITGB2 is on the minus strand). VCF-style: chr21-44901501-G-A. GRCh37 (hg19) VCF-style: chr21-46321416-G-A.
Other names: c.732C>T, p.Ala244= (NM_001127491.3); c.525C>T, p.Ala175= (NM_001303238.2); c.732C>T (LRG_76t1).
Identifiers: ClinVar variation 340166 (VCV000340166.18), dbSNP rs146557638, ClinGen allele CA10063125.
Genomic context (GRCh38, chr21:44,901,501, plus strand): 5'-GCCCCCCACACTGGGGGAACGTGGGGACCCAAGCAGGGGCAGCGGCCTCACCGGGCAGGC[G>A]GCGACCTGCATCATGGCGTCCAGCCCACCCTCGGGTGCATCCAGGTTTCCGGAAATCAGC-3'
Protein context (NP_000202.3, residues 234-254): EGGLDAMMQV[Ala244=]ACPEEIGWRN

ClinVar aggregate classification (germline): Benign/Likely benign. Review status: criteria provided, multiple submitters, no conflicts (2 of 4 stars). 5 submissions from 5 submitters: Benign (1); Likely benign (3). 1 of the submissions does not count toward it. Last evaluated 2026-04-02.

Conditions:
ITGB2-related disorder. Also called: ITGB2-related condition.
Leukocyte adhesion deficiency 1 (LAD1). Also called: LEUKOCYTE ADHESION DEFICIENCY, TYPE I; LAD 1; Lymphocyte function-associated antigen 1 immunodeficiency; LFA 1 immunodeficiency. Identifiers: Orphanet 2968, Orphanet 99842, MedGen C0398738, MONDO:0007293, OMIM 116920.

Allele frequency attached by ClinVar (database versions not stated): ExAC 0.00043; gnomAD 0.00072 and 0.00077; TOPMed 0.00108; ESP Exome Variant Server 0.00115; 1000 Genomes Project 0.00120; 1000 Genomes Project 30x 0.00141.
gnomAD v4.1: 324 of 1,614,078 alleles (0.02%); highest among the groups gnomAD compares: African/African-American, 0.25%; 1 homozygote.

Submissions (5):

Women's Health and Genetics/Laboratory Corporation of America, LabCorp
Classification: Likely benign. Last evaluated: 2026-04-02. Review status: criteria provided, single submitter. Criteria: LabCorp Variant Classification Summary - May 2015. Collection method: clinical testing. Allele origin: germline.

Labcorp Genetics (formerly Invitae), Labcorp
Classification: Benign for Leukocyte adhesion deficiency 1. Last evaluated: 2026-01-05. Review status: criteria provided, single submitter. Criteria: Invitae Variant Classification Sherloc (09022015). Collection method: clinical testing. Allele origin: germline.

Blueprint Genetics
Classification: Likely benign. Last evaluated: 2023-11-28. Review status: criteria provided, single submitter. Criteria: ACMG Guidelines, 2015. Collection method: clinical testing. Allele origin: germline.

Illumina Laboratory Services, Illumina
Classification: Likely benign for Leukocyte adhesion deficiency 1. Last evaluated: 2018-01-13. Review status: criteria provided, single submitter. Criteria: ICSL Variant Classification Criteria 13 December 2019. Collection method: clinical testing. Allele origin: germline.
Comment: This variant was observed in the ICSL laboratory as part of a predisposition screen in an ostensibly healthy population. It had not been previously curated by ICSL or reported in the Human Gene Mutation Database (HGMD: prior to June 1st, 2018), and was therefore a candidate for classification through an automated scoring system. Utilizing variant allele frequency, disease prevalence and penetrance estimates, and inheritance mode, an automated score was calculated to assess if this variant is too frequent to cause the disease. Based on the score and internal cut-off values, a variant classified as likely benign is not then subjected to further curation. The score for this variant resulted in a classification of likely benign for this disease.

PreventionGenetics, part of Exact Sciences
Classification: Likely benign for ITGB2-related condition. Last evaluated: 2024-08-20. Review status: no assertion criteria provided. Collection method: clinical testing. Allele origin: germline. Not counted in ClinVar's aggregate classification.
Comment: This variant is classified as likely benign based on ACMG/AMP sequence variant interpretation guidelines (Richards et al. 2015 PMID: 25741868, with internal and published modifications).